The following is an entry in ClinVar:

ClinVar aggregate classification (germline): Pathogenic (1 of 4 stars; one submission).

Conditions:
Neurofibromatosis, type 1 (NF1). Also called: Peripheral type neurofibromatosis; VON RECKLINGHAUSEN DISEASE; Neurofibromatosis, type I; NEUROFIBROMATOSIS, TYPE I, SOMATIC. Identifiers: Orphanet 636, MedGen C0027831, MONDO:0018975, OMIM 162200. Disease mechanism: loss of function.

Submission:

Labcorp Genetics (formerly Invitae), Labcorp
Classification: Pathogenic for Neurofibromatosis, type 1. Last evaluated: 2024-04-24. Review status: criteria provided, single submitter. Criteria: Invitae Variant Classification Sherloc (09022015). Collection method: clinical testing. Allele origin: germline.
Comment: This sequence change creates a premature translational stop signal (p.Glu41Aspfs*3) in the NF1 gene. It is expected to result in an absent or disrupted protein product. Loss-of-function variants in NF1 are known to be pathogenic (PMID: 10712197, 23913538). This variant is not present in population databases (gnomAD no frequency). This variant has not been reported in the literature in individuals affected with NF1-related conditions. For these reasons, this variant has been classified as Pathogenic.

Literature cited by the submitters: PubMed 10712197; PubMed 23913538.

NM_001042492.3(NF1):c.123del (p.Glu41fs)

Gene: NF1 (neurofibromin 1; plus strand). Cytogenetic location: 17q11.2.
Variant type: Deletion.
Coding change: c.123del on transcript NM_001042492.3 (MANE Select); coding-DNA position 123, one base deleted (A; older notation c.123delA).
Protein change: p.Glu41fs; shifts the reading frame from glutamic acid 41.
Molecular consequence: frameshift variant.
Genome position (GRCh38, 1-based): chr17:31,156,045, A deleted; the last of 2 consecutive A bases (chr17:31,156,044-31,156,045); deleting either gives the same sequence. VCF-style (leftmost placement, unchanged base first): chr17-31156043-GA-G. GRCh37 (hg19) VCF-style: chr17-29483061-GA-G.
Other names: c.123delA, p.Glu41Aspfs (NM_000267.4); c.123del, p.Glu41fs (NM_001128147.3); short protein forms E41fs.
Identifiers: ClinVar variation 3650677 (VCV003650677.2).